The following is an entry in ClinVar:

ClinVar aggregate classification (germline): Uncertain significance (1 of 4 stars; one submission).

Submission:

GeneDx
Classification: Uncertain significance. Last evaluated: 2022-10-19. Review status: criteria provided, single submitter. Criteria: GeneDx Variant Classification Process June 2021. Collection method: clinical testing. Allele origin: germline. Affected: yes.
Comment: Not observed at significant frequency in large population cohorts (gnomAD); In silico analysis supports that this missense variant has a deleterious effect on protein structure/function; Has not been previously published as pathogenic or benign to our knowledge

NM_007373.4(SHOC2):c.557C>T (p.Ser186Leu)

Gene: SHOC2 (SHOC2 leucine rich repeat scaffold protein; plus strand). Cytogenetic location: 10q25.2.
Variant type: single nucleotide variant.
Coding change: c.557C>T on transcript NM_007373.4 (MANE Select); coding-DNA position 557, C replaced by T.
Protein change: p.Ser186Leu; replaces serine 186 with leucine.
Molecular consequence: missense variant.
Genome position (GRCh38, 1-based): chr10:110,964,915, C>T. VCF-style: chr10-110964915-C-T. GRCh37 (hg19) VCF-style: chr10-112724673-C-T.
Other names: c.557C>T, p.Ser186Leu (NM_001269039.3, NM_001324336.2, NM_001324337.2); short protein forms S186L.
Identifiers: ClinVar variation 2499955 (VCV002499955.1), dbSNP rs2493840053, ClinGen allele CA378386018.